The following is an entry in ClinVar:

NM_001291303.3(FAT4):c.14205G>A (p.Met4735Ile)

Gene: FAT4 (FAT atypical cadherin 4; plus strand). Cytogenetic location: 4q28.1.
Variant type: single nucleotide variant.
Coding change: c.14205G>A on transcript NM_001291303.3 (MANE Select); coding-DNA position 14205, G replaced by A.
Protein change: p.Met4735Ile; replaces methionine 4735 with isoleucine.
Molecular consequence: missense variant.
Genome position (GRCh38, 1-based): chr4:125,491,021, G>A. VCF-style: chr4-125491021-G-A. GRCh37 (hg19) VCF-style: chr4-126412176-G-A.
Other names: c.14199G>A (NM_024582.4); c.14202G>A, p.Met4734Ile (NM_001291285.3); c.14199G>A, p.Met4733Ile (NM_024582.6); short protein forms M4735I, M4733I, M4734I.
Identifiers: ClinVar variation 1520092 (VCV001520092.9), dbSNP rs566319855, ClinGen allele CA3074524.

ClinVar aggregate classification (germline): Uncertain significance. Review status: criteria provided, multiple submitters, no conflicts (2 of 4 stars). 2 submissions from 2 submitters: Uncertain significance (2). Last evaluated 2024-11-09.

Conditions:
Inborn genetic diseases. Identifiers: MedGen C0950123, MeSH D030342.

Allele frequency attached by ClinVar (database versions not stated): gnomAD exomes below 0.00001 and 0.00001; gnomAD 0.00001; ExAC 0.00002; 1000 Genomes Project 30x 0.00016; 1000 Genomes Project 0.00020.
gnomAD v4.1: 4 of 1,614,200 alleles (0.00025%); highest among the groups gnomAD compares: East Asian, 0.0067%; no homozygotes.

Submissions (2):

Ambry Genetics
Classification: Uncertain significance for Inborn genetic diseases. Last evaluated: 2024-11-09. Review status: criteria provided, single submitter. Criteria: Ambry Variant Classification Scheme 2023. Collection method: clinical testing. Allele origin: germline.

Labcorp Genetics (formerly Invitae), Labcorp
Classification: Uncertain significance. Last evaluated: 2024-07-29. Review status: criteria provided, single submitter. Criteria: Invitae Variant Classification Sherloc (09022015). Collection method: clinical testing. Allele origin: germline.
Comment: This sequence change replaces methionine, which is neutral and non-polar, with isoleucine, which is neutral and non-polar, at codon 4733 of the FAT4 protein (p.Met4733Ile). This variant is present in population databases (rs566319855, gnomAD 0.006%). This variant has not been reported in the literature in individuals affected with FAT4-related conditions. ClinVar contains an entry for this variant (Variation ID: 1520092). Advanced modeling of protein sequence and biophysical properties (such as structural, functional, and spatial information, amino acid conservation, physicochemical variation, residue mobility, and thermodynamic stability) performed at Invitae indicates that this missense variant is not expected to disrupt FAT4 protein function with a negative predictive value of 95%. In summary, the available evidence is currently insufficient to determine the role of this variant in disease. Therefore, it has been classified as a Variant of Uncertain Significance.